The following is an entry in ClinVar:

NM_001130987.2(DYSF):c.2848G>C (p.Val950Leu)

Gene: DYSF (dysferlin; plus strand). Cytogenetic location: 2p13.2.
Variant type: single nucleotide variant.
Coding change: c.2848G>C on transcript NM_001130987.2 (MANE Select); coding-DNA position 2848, G replaced by C.
Protein change: p.Val950Leu; replaces valine 950 with leucine.
Molecular consequence: missense variant.
Genome position (GRCh38, 1-based): chr2:71,568,322, G>C. VCF-style: chr2-71568322-G-C. GRCh37 (hg19) VCF-style: chr2-71795452-G-C.
Other names: c.2797G>C, p.Val933Leu (NM_001130455.2, NM_001130983.2); c.2752G>C, p.Val918Leu (NM_001130976.2, NM_001130977.2); c.2794G>C, p.Val932Leu (NM_001130978.2, NM_003494.4); c.2887G>C, p.Val963Leu (NM_001130979.2); c.2845G>C, p.Val949Leu (NM_001130980.2, NM_001130981.2); c.2890G>C, p.Val964Leu (NM_001130982.2); c.2755G>C, p.Val919Leu (NM_001130984.2, NM_001130986.2); c.2848G>C, p.Val950Leu (NM_001130985.2); short protein forms V918L, V919L, V933L, V963L, V932L, V950L, V964L, V949L.
Identifiers: ClinVar variation 658489 (VCV000658489.7), dbSNP rs774307376, ClinGen allele CA49744939.

ClinVar aggregate classification (germline): Uncertain significance. Review status: criteria provided, single submitter (1 of 4 stars). 2 submissions from 2 submitters: Uncertain significance (1). 1 of the submissions does not count toward it. Last evaluated 2021-09-01.

Conditions:
Autosomal recessive limb-girdle muscular dystrophy type 2B (LGMDR2). Also called: Limb-girdle muscular dystrophy, type 2B; MUSCULAR DYSTROPHY, LIMB-GIRDLE, TYPE 3; Limb-Girdle Muscular Dystrophy Type 2B (LGMD2B); MUSCULAR DYSTROPHY, LIMB-GIRDLE, AUTOSOMAL RECESSIVE 2. Identifiers: Orphanet 268, MedGen C1850889, MONDO:0009676, OMIM 253601.
Neuromuscular disease caused by qualitative or quantitative defects of dysferlin. Also called: Qualitative or quantitative defects of dysferlin; Dysferlinopathy. Identifiers: Orphanet 207073, MedGen C2931687, MONDO:0016145.

gnomAD v4.1: 6 of 1,614,164 alleles (0.00037%); highest among the groups gnomAD compares: Non-Finnish European, 0.00051%; no homozygotes.

Submissions (2):

Labcorp Genetics (formerly Invitae), Labcorp
Classification: Uncertain significance for Neuromuscular disease caused by qualitative or quantitative defects of dysferlin. Last evaluated: 2021-09-01. Review status: criteria provided, single submitter. Criteria: Invitae Variant Classification Sherloc (09022015). Collection method: clinical testing. Allele origin: germline.
Comment: This sequence change replaces valine with leucine at codon 932 of the DYSF protein (p.Val932Leu). The valine residue is moderately conserved and there is a small physicochemical difference between valine and leucine. This variant is not present in population databases (ExAC no frequency). This variant has not been reported in the literature in individuals affected with DYSF-related conditions. Algorithms developed to predict the effect of missense changes on protein structure and function (SIFT, PolyPhen-2, Align-GVGD) all suggest that this variant is likely to be tolerated. In summary, the available evidence is currently insufficient to determine the role of this variant in disease. Therefore, it has been classified as a Variant of Uncertain Significance.

Natera, Inc.
Classification: Uncertain significance for Limb-girdle muscular dystrophy type 2B. Last evaluated: 2021-04-09. Review status: no assertion criteria provided. Collection method: clinical testing. Allele origin: germline. Not counted in ClinVar's aggregate classification.